The following is an entry in ClinVar:

NM_014317.5(PDSS1):c.479C>T (p.Ala160Val)

Gene: PDSS1 (decaprenyl diphosphate synthase subunit 1; plus strand). Cytogenetic location: 10p12.1.
Variant type: single nucleotide variant.
Coding change: c.479C>T on transcript NM_014317.5 (MANE Select); coding-DNA position 479, C replaced by T.
Protein change: p.Ala160Val; replaces alanine 160 with valine.
Molecular consequence: missense variant. On other transcripts: 5 prime UTR variant (1).
Genome position (GRCh38, 1-based): chr10:26,720,229, C>T. VCF-style: chr10-26720229-C-T. GRCh37 (hg19) VCF-style: chr10-27009158-C-T.
Other names: c.479C>T, p.Ala160Val (NM_001321978.2); c.-32C>T (NM_001321979.2); short protein forms A160V.
Identifiers: ClinVar variation 1931314 (VCV001931314.5), dbSNP rs2491570167, ClinGen allele CA376345902.

ClinVar aggregate classification (germline): Uncertain significance (1 of 4 stars; one submission).

Submission:

Labcorp Genetics (formerly Invitae), Labcorp
Classification: Uncertain significance. Last evaluated: 2023-12-06. Review status: criteria provided, single submitter. Criteria: Invitae Variant Classification Sherloc (09022015). Collection method: clinical testing. Allele origin: germline.
Comment: This sequence change replaces alanine, which is neutral and non-polar, with valine, which is neutral and non-polar, at codon 160 of the PDSS1 protein (p.Ala160Val). This variant is not present in population databases (gnomAD no frequency). This variant has not been reported in the literature in individuals affected with PDSS1-related conditions. ClinVar contains an entry for this variant (Variation ID: 1931314). An algorithm developed to predict the effect of missense changes on protein structure and function (PolyPhen-2) suggests that this variant is likely to be disruptive. In summary, the available evidence is currently insufficient to determine the role of this variant in disease. Therefore, it has been classified as a Variant of Uncertain Significance.